The following is an entry in ClinVar:

ClinVar aggregate classification (germline): Uncertain significance (1 of 4 stars; one submission).

Submission:

Ambry Genetics
Classification: Uncertain significance. Last evaluated: 2024-09-09. Review status: criteria provided, single submitter. Criteria: Ambry Variant Classification Scheme 2023. Collection method: clinical testing. Allele origin: germline.
Comment: The p.D350N variant (also known as c.1048G>A), located in coding exon 9 of the FAM175A gene, results from a G to A substitution at nucleotide position 1048. The aspartic acid at codon 350 is replaced by asparagine, an amino acid with highly similar properties. This amino acid position is conserved. In addition, this alteration is predicted to be tolerated by in silico analysis. Based on the available evidence, the clinical significance of this variant remains unclear.

NM_139076.3(ABRAXAS1):c.1048G>A (p.Asp350Asn)

Gene: ABRAXAS1 (abraxas 1, BRCA1 A complex subunit; minus strand). Cytogenetic location: 4q21.23.
Variant type: single nucleotide variant.
Coding change: c.1048G>A on transcript NM_139076.3 (MANE Select); coding-DNA position 1048, G replaced by A.
Protein change: p.Asp350Asn; replaces aspartic acid 350 with asparagine.
Molecular consequence: missense variant.
Genome position (GRCh38, 1-based): chr4:83,462,651, C>T on the plus strand (G>A on the coding strand, the complement: ABRAXAS1 is on the minus strand). VCF-style: chr4-83462651-C-T. GRCh37 (hg19) VCF-style: chr4-84383804-C-T.
Other names: c.721G>A, p.Asp241Asn (NM_001345962.2); short protein forms D350N, D241N.
Identifiers: ClinVar variation 3444899 (VCV003444899.1).